The following is an entry in ClinVar:

NM_001378452.1(ITPR1):c.3607T>C (p.Ser1203Pro)

Gene: ITPR1 (inositol 1,4,5-trisphosphate receptor type 1; plus strand). Cytogenetic location: 3p26.1.
Variant type: single nucleotide variant.
Coding change: c.3607T>C on transcript NM_001378452.1 (MANE Select); coding-DNA position 3607, T replaced by C.
Protein change: p.Ser1203Pro; replaces serine 1203 with proline.
Molecular consequence: missense variant.
Genome position (GRCh38, 1-based): chr3:4,685,111, T>C. VCF-style: chr3-4685111-T-C. GRCh37 (hg19) VCF-style: chr3-4726795-T-C.
Other names: c.3580T>C, p.Ser1194Pro (NM_001099952.4); c.3562T>C, p.Ser1188Pro (NM_001168272.2); c.3535T>C, p.Ser1179Pro (NM_002222.7); short protein forms S1188P, S1194P, S1203P, S1179P.
Identifiers: ClinVar variation 3635585 (VCV003635585.2).

ClinVar aggregate classification (germline): Uncertain significance (1 of 4 stars; one submission).

Submission:

Labcorp Genetics (formerly Invitae), Labcorp
Classification: Uncertain significance. Last evaluated: 2024-11-19. Review status: criteria provided, single submitter. Criteria: Invitae Variant Classification Sherloc (09022015). Collection method: clinical testing. Allele origin: germline.
Comment: This sequence change replaces serine, which is neutral and polar, with proline, which is neutral and non-polar, at codon 1179 of the ITPR1 protein (p.Ser1179Pro). This variant is not present in population databases (gnomAD no frequency). This variant has not been reported in the literature in individuals affected with ITPR1-related conditions. An algorithm developed to predict the effect of missense changes on protein structure and function (PolyPhen-2) suggests that this variant is likely to be tolerated. In summary, the available evidence is currently insufficient to determine the role of this variant in disease. Therefore, it has been classified as a Variant of Uncertain Significance.